The following is an entry in ClinVar:

NM_002878.4(RAD51D):c.905C>T (p.Pro302Leu)

Genes: RAD51D (RAD51 paralog D; minus strand), RAD51L3-RFFL (RAD51L3-RFFL readthrough; minus strand). Cytogenetic location: 17q12.
Variant type: single nucleotide variant.
Coding change: c.905C>T on transcript NM_002878.4 (MANE Select); coding-DNA position 905, C replaced by T.
Protein change: p.Pro302Leu; replaces proline 302 with leucine.
Molecular consequence: missense variant. On other transcripts: non-coding transcript variant (2).
Genome position (GRCh38, 1-based): chr17:35,101,035, G>A on the plus strand (C>T on the coding strand, the complement: RAD51D is on the minus strand). VCF-style: chr17-35101035-G-A. GRCh37 (hg19) VCF-style: chr17-33428054-G-A.
Other names: c.965C>T, p.Pro322Leu (NM_001142571.2); c.569C>T, p.Pro190Leu (NM_133629.3); short protein forms P302L, P322L, P190L.
Identifiers: ClinVar variation 539858 (VCV000539858.6), dbSNP rs1555567003, ClinGen allele CA399086188.
Genomic context (GRCh38, chr17:35,101,035, plus strand): 5'-GTGGCACTCTGCTCTGAGGTCCCCCAGGTCCCAATGTCTACCATCTCCTGGAAACCTGTT[G>A]GCTGGAAGAAGAAGTAAGGAGTCAGTGGAGTTAAGCAACCCAAGTGGGTAGCTTCTTTAG-3'
Protein context (NP_002869.3, residues 292-312): MACLAKSSRQ[Pro302Leu]TGFQEMVDIG

ClinVar aggregate classification (germline): Uncertain significance. Review status: criteria provided, multiple submitters, no conflicts (2 of 4 stars). 2 submissions from 2 submitters: Uncertain significance (2). Last evaluated 2024-07-19.

Conditions:
Hereditary cancer-predisposing syndrome. Also called: Neoplastic Syndromes, Hereditary; Hereditary Cancer Syndrome; Hereditary neoplastic syndrome; Tumor predisposition. Identifiers: Orphanet 140162, MedGen C0027672, MeSH D009386, MONDO:0015356.
Breast-ovarian cancer, familial, susceptibility to, 4. Identifiers: Orphanet 145, MedGen C3280345, MONDO:0013669, OMIM 614291.

Submissions (2):

Labcorp Genetics (formerly Invitae), Labcorp
Classification: Uncertain significance for Breast-ovarian cancer, familial, susceptibility to, 4. Last evaluated: 2024-07-19. Review status: criteria provided, single submitter. Criteria: Invitae Variant Classification Sherloc (09022015). Collection method: clinical testing. Allele origin: germline.
Comment: This sequence change replaces proline, which is neutral and non-polar, with leucine, which is neutral and non-polar, at codon 302 of the RAD51D protein (p.Pro302Leu). This variant is not present in population databases (gnomAD no frequency). This variant has not been reported in the literature in individuals affected with RAD51D-related conditions. ClinVar contains an entry for this variant (Variation ID: 539858). An algorithm developed to predict the effect of missense changes on protein structure and function (PolyPhen-2) suggests that this variant is likely to be tolerated. In summary, the available evidence is currently insufficient to determine the role of this variant in disease. Therefore, it has been classified as a Variant of Uncertain Significance.

Color Diagnostics, LLC DBA Color Health
Classification: Uncertain significance for Hereditary cancer-predisposing syndrome. Last evaluated: 2024-01-08. Review status: criteria provided, single submitter. Criteria: ACMG Guidelines, 2015. Collection method: clinical testing. Allele origin: germline.
Comment: This missense variant replaces proline with leucine at codon 302 of the RAD51D protein. Computational prediction is inconclusive regarding the impact of this variant on protein structure and function. To our knowledge, functional studies have not been reported for this variant. This variant has not been reported in individuals affected with RAD51D-related disorders in the literature. This variant has not been identified in the general population by the Genome Aggregation Database (gnomAD). The available evidence is insufficient to determine the role of this variant in disease conclusively. Therefore, this variant is classified as a Variant of Uncertain Significance.